The following is an entry in ClinVar:

ClinVar aggregate classification (germline): Uncertain significance. Review status: criteria provided, multiple submitters, no conflicts (2 of 4 stars). 2 submissions from 2 submitters: Uncertain significance (2). Last evaluated 2025-02-16.

Conditions:
Autosomal recessive spastic paraplegia type 78. Identifiers: Orphanet 513436, MedGen C5567893, MONDO:0014975, OMIM 617225.
Kufor-Rakeb syndrome (KRS). Also called: PARKINSON DISEASE 9, AUTOSOMAL RECESSIVE, JUVENILE-ONSET. Identifiers: Orphanet 306674, Orphanet 314632, MedGen C1847640, MONDO:0011706, OMIM 606693.

gnomAD v4.1: 1 of 1,613,800 alleles (0.000062%); highest among the groups gnomAD compares: Non-Finnish European, 0.000085%; no homozygotes.

Submissions (2):

Labcorp Genetics (formerly Invitae), Labcorp
Classification: Uncertain significance for Kufor-Rakeb syndrome; Autosomal recessive spastic paraplegia type 78. Last evaluated: 2025-02-16. Review status: criteria provided, single submitter. Criteria: Invitae Variant Classification Sherloc (09022015). Collection method: clinical testing. Allele origin: germline.
Comment: This sequence change replaces aspartic acid, which is acidic and polar, with histidine, which is basic and polar, at codon 967 of the ATP13A2 protein (p.Asp967His). This variant is not present in population databases (gnomAD no frequency). This missense change has been observed in individuals with clinical features of spastic paraplegia (PMID: 38374194; internal data). ClinVar contains an entry for this variant (Variation ID: 533807). Invitae Evidence Modeling of protein sequence and biophysical properties (such as structural, functional, and spatial information, amino acid conservation, physicochemical variation, residue mobility, and thermodynamic stability) indicates that this missense variant is expected to disrupt ATP13A2 protein function with a positive predictive value of 80%. In summary, the available evidence is currently insufficient to determine the role of this variant in disease. Therefore, it has been classified as a Variant of Uncertain Significance.

Kariminejad - Najmabadi Pathology & Genetics Center
Classification: Uncertain significance for Autosomal recessive spastic paraplegia type 78. Last evaluated: 2016-05-16. Review status: criteria provided, single submitter. Criteria: ACMG Guidelines, 2015. Collection method: clinical testing. Allele origin: germline. Inheritance: Autosomal recessive inheritance. Affected: yes.
Comment: PM2,PM3_Supporting,PP3

Literature cited by the submitters: PubMed 38374194 (cited by Labcorp Genetics (formerly Invitae), Labcorp).

NM_022089.4(ATP13A2):c.2899G>C (p.Asp967His)

Gene: ATP13A2 (ATPase cation transporting 13A2; minus strand). Cytogenetic location: 1p36.13.
Variant type: single nucleotide variant.
Coding change: c.2899G>C on transcript NM_022089.4 (MANE Select); coding-DNA position 2899, G replaced by C.
Protein change: p.Asp967His; replaces aspartic acid 967 with histidine.
Molecular consequence: missense variant.
Genome position (GRCh38, 1-based): chr1:16,987,230, C>G on the plus strand (G>C on the coding strand, the complement: ATP13A2 is on the minus strand). VCF-style: chr1-16987230-C-G. GRCh37 (hg19) VCF-style: chr1-17313725-C-G.
Other names: c.2884G>C, p.Asp962His (NM_001141973.3); c.2767G>C, p.Asp923His (NM_001141974.3); short protein forms D967H, D923H, D962H.
Identifiers: ClinVar variation 533807 (VCV000533807.8), dbSNP rs772870846, ClinGen allele CA338235679.
Genomic context (GRCh38, chr1:16,987,230, plus strand): 5'-GGACCAGCGCTGGCCCCGTGCGGCTCATGAGCACTGCCACTGTGGTGGTGATGACCAGGT[C>G]GATGGCCAGGAACTGCAGGTCACCCAGGTTGGTGTTGATCTGCCACAGGGAAGGGAGGAC-3'
Protein context (NP_071372.1, residues 957-977): NLGDLQFLAI[Asp967His]LVITTTVAVL